The following is an entry in ClinVar:

ClinVar aggregate classification (germline): Likely benign. Review status: criteria provided, single submitter (1 of 4 stars). 2 submissions from 2 submitters: Likely benign (1). 1 of the submissions does not count toward it. Last evaluated 2023-05-14.

Conditions:
Glycogen storage disease type III (GSD3). Also called: Cori disease; FORBES DISEASE. Identifiers: Orphanet 366, MedGen C0017922, MONDO:0009291, OMIM 232400.
AGL-related disorder. Also called: AGL-related condition.

Submissions (2):

Labcorp Genetics (formerly Invitae), Labcorp
Classification: Likely benign for Glycogen storage disease type III. Last evaluated: 2023-05-14. Review status: criteria provided, single submitter. Criteria: Invitae Variant Classification Sherloc (09022015). Collection method: clinical testing. Allele origin: germline.

PreventionGenetics, part of Exact Sciences
Classification: Likely benign for AGL-related condition. Last evaluated: 2022-05-25. Review status: no assertion criteria provided. Collection method: clinical testing. Allele origin: germline. Not counted in ClinVar's aggregate classification.
Comment: This variant is classified as likely benign based on ACMG/AMP sequence variant interpretation guidelines (Richards et al. 2015 PMID: 25741868, with internal and published modifications).

NM_000642.3(AGL):c.3666T>C (p.Ala1222=)

Gene: AGL (amylo-alpha-1,6-glucosidase and 4-alpha-glucanotransferase; plus strand). Cytogenetic location: 1p21.2.
Variant type: single nucleotide variant.
Coding change: c.3666T>C on transcript NM_000642.3 (MANE Select); coding-DNA position 3666, T replaced by C.
Protein change: p.Ala1222=; no amino-acid change (alanine 1222 retained).
Molecular consequence: synonymous variant.
Genome position (GRCh38, 1-based): chr1:99,902,760, T>C. VCF-style: chr1-99902760-T-C. GRCh37 (hg19) VCF-style: chr1-100368316-T-C.
Other names: c.3666T>C (NM_000642.2); c.3666T>C, p.Ala1222= (NM_000028.3, NM_000643.3, NM_000644.3 and 1 more transcripts); c.3618T>C, p.Ala1206= (NM_000646.3); c.3645T>C, p.Ala1215= (NM_001425326.1); c.3465T>C, p.Ala1155= (NM_001425327.1); c.3462T>C, p.Ala1154= (NM_001425328.1); c.3327T>C, p.Ala1109= (NM_001425329.1); c.3288T>C, p.Ala1096= (NM_001425332.1).
Identifiers: ClinVar variation 1136172 (VCV001136172.11), dbSNP rs1405081089, ClinGen allele CA419089140.